The following is an entry in ClinVar:

NC_000011.10:g.47332110del

Gene: MYBPC3 (myosin binding protein C3; minus strand). Cytogenetic location: 11p11.2.
Variant type: Deletion.
Genome position: GRCh38 VCF-style: chr11-47332109-CT-C. GRCh37 (hg19) VCF-style: chr11-47353660-CT-C.
Other names: c.3776delA (NM_000256.3).
Identifiers: ClinVar variation 164021 (VCV000164021.32), dbSNP rs727503166, ClinGen allele CA014863.
Genomic context (GRCh38, chr11:47,332,109, plus strand): 5'-CCCTGGCCCCGAGGGCTCCTCACCTCGCACCTCCAGGCGGCACTCACACCGTGCCTCGCC[CT>C]GTAAGTTGGTGGCCCTGCAGACATAGATGCCCCCGTCAAAGGGGCAGGGCTTTCTAATCT-3'

ClinVar aggregate classification (germline): Pathogenic/Likely pathogenic. Review status: criteria provided, multiple submitters, no conflicts (2 of 4 stars). 13 submissions from 13 submitters: Pathogenic (7); Likely pathogenic (2). 4 of the submissions do not count toward it. Last evaluated 2026-01-19.

Conditions:
Cardiovascular phenotype. Identifiers: MedGen CN230736.
MYBPC3-related disorder. Also called: MYBPC3-related disorders; MYBPC3-related condition; MYBPC3-related disease.
Cardiomyopathy (CMYO). Also called: Cardiomyopathies. Identifiers: Orphanet 167848, MedGen C0878544, MONDO:0004994, HP:0001638. Inheritance: Various modes of inheritance.
Hypertrophic cardiomyopathy 4. Also called: Familial hypertrophic cardiomyopathy 4. Identifiers: MedGen C1861862, MONDO:0007268, OMIM 115197.
Hypertrophic cardiomyopathy. Also called: HYPERTROPHIC MYOCARDIOPATHY. Identifiers: Orphanet 217569, MedGen C0007194, MeSH D002312, MONDO:0005045, HP:0001639.
Left ventricular noncompaction. Identifiers: Orphanet 54260, MedGen C1960469, MONDO:0018901, HP:0030682.

Allele frequency attached by ClinVar (database versions not stated): gnomAD exomes below 0.00001 and 0.00001; TOPMed below 0.00001.

Submissions (13):

Labcorp Genetics (formerly Invitae), Labcorp
Classification: Pathogenic for Hypertrophic cardiomyopathy. Last evaluated: 2026-01-19. Review status: criteria provided, single submitter. Criteria: Invitae Variant Classification Sherloc (09022015). Collection method: clinical testing. Allele origin: germline.
Comment: This sequence change creates a premature translational stop signal (p.Gln1259Argfs*72) in the MYBPC3 gene. While this is not anticipated to result in nonsense mediated decay, it is expected to disrupt the last 16 amino acid(s) of the MYBPC3 protein. This variant is present in population databases (rs727503166, gnomAD 0.002%). This premature translational stop signal has been observed in individuals with left ventricular noncompaction or hypertrophic cardiomyopathy (PMID: 19808356, 20019025, 20031619, 22115648, 25611685, 27532257, 29121657). ClinVar contains an entry for this variant (Variation ID: 164021). This variant disrupts a region of the MYBPC3 protein in which other variant(s) (p.Arg1271*) have been determined to be pathogenic (PMID: 18533079, 23396983, 27532257). This suggests that this is a clinically significant region of the protein, and that variants that disrupt it are likely to be disease-causing. For these reasons, this variant has been classified as Pathogenic.

Color Diagnostics, LLC DBA Color Health
Classification: Likely pathogenic for Cardiomyopathy. Last evaluated: 2025-07-03. Review status: criteria provided, single submitter. Criteria: ACMG Guidelines, 2015. Collection method: clinical testing. Allele origin: germline.
Comment: This variant deletes 1 nucleotide in exon 33 of the MYBPC3 gene, creating a premature translation stop signal in the C-terminus region. This variant is predicted to escape nonsense-mediated decay and be expressed as a truncated protein. To our knowledge, functional studies have not been reported for this variant. This variant has been reported in more than ten individuals affected with hypertrophic cardiomyopathy (PMID: 20019025, 22115648, 23674513, 24793961, 25611685, 27532257, 29021349, 29121657, 29853478, 30297972, 30847666, 33495596, 33495597, 39740200). It has also been reported in an individual affected with left ventricular hypertrabeculationthis individual also carried a missense variant in the same gene (PMID: 20031619). The c.3776del variant was also identified in this individual's mildly affected parent. This variant has been identified in 2/248718 chromosomes in the general population by the Genome Aggregation Database (gnomAD). A splicing variant occurring downstream of this variant is known to be disease-causing (ClinVar variation ID: 42746). Loss of MYBPC3 function is a known mechanism of disease. Based on the available evidence, this variant is classified as Likely Pathogenic.

GeneDx
Classification: Likely pathogenic. Last evaluated: 2025-06-20. Review status: criteria provided, single submitter. Criteria: GeneDx Variant Classification Process June 2021. Collection method: clinical testing. Allele origin: germline. Affected: yes.
Comment: Identified in patients with HCM referred for genetic testing at GeneDx and in published literature (PMID: 19808356, 19666645, 23674513, 20019025, 25611685, 27532257, 29121657, 30847666, 33662488); Identified in an infant with LVNC who also harbored a de novo missense variant in the MYBPC3 gene; the c.3776delA variant was subsequently identified in the infant's mildly affected mother (PMID: 20031619); Reported as a common pathogenic variant among individuals of Dutch background (PMID: 33662488); Frameshift variant predicted to result in protein truncation, as the last 16 amino acids are replaced with 71 different amino acids, and other loss-of-function variants have been reported downstream in HGMD; Not observed at significant frequency in large population cohorts (gnomAD); This variant is associated with the following publications: (PMID: 20019025, 22115648, 25611685, 27532257, 19666645, 29121657, 33532905, 33500567, 19808356, 30297972, 30847666, 27535533, 33662488, 37652022, 23674513, 20031619)

Blueprint Genetics
Classification: Pathogenic for MYBPC3-related disorders. Last evaluated: 2024-08-02. Review status: criteria provided, single submitter. Criteria: ACMG Guidelines, 2015. Collection method: clinical testing. Allele origin: germline. Affected: yes. Observed: 5 variant alleles.

Ambry Genetics
Classification: Pathogenic for Cardiovascular phenotype. Last evaluated: 2024-01-02. Review status: criteria provided, single submitter. Criteria: Ambry Variant Classification Scheme 2023. Collection method: clinical testing. Allele origin: germline.
Comment: The c.3776delA pathogenic mutation, located in coding exon 33 of the MYBPC3 gene, results from a deletion of one nucleotide at nucleotide position 3776. This deletion causes a translational frameshift that ablates the C-terminal 16 amino acids and replaces them with 72 spurious amino acids, resulting in an elongated protein with an altered C-terminal domain (p.Q1259Rfs*72). This alteration was described in a proband with left ventricular non-compaction cardiomyopathy, who also had a de novo missense alteration in the second allele. The proband was reported to have no normal MYBPC3 protein expression and disorganized sarcomere M bands. In another study, this alteration was detected in an individual with hypertrophic cardiomyopathy and two unaffected family members (Michels M et al. Eur Heart J. 2009;30:2593-8). This variant is considered to be rare based on population cohorts in the Genome Aggregation Database (gnomAD). Based on the supporting evidence, this alteration is interpreted as a disease-causing mutation.

CHEO Genetics Diagnostic Laboratory, Children's Hospital of Eastern Ontario
Classification: Pathogenic for Cardiomyopathy. Last evaluated: 2023-03-22. Review status: criteria provided, single submitter. Criteria: ACMG Guidelines, 2015. Collection method: clinical testing. Allele origin: germline. Study: Canadian Open Genetics Repository.

Human Genome Sequencing Center Clinical Lab, Baylor College of Medicine
Classification: Pathogenic for Familial hypertrophic cardiomyopathy 4. Last evaluated: 2019-06-17. Review status: criteria provided, single submitter. Criteria: ACMG Guidelines, 2015. Collection method: clinical testing. Allele origin: germline.
Comment: The c.3776delA (p.Gln1259Argfs*72) variant in the MYBPC3 gene is predicted to introduce a premature translational termination codon. This variant has been reported in multiple individuals affected with hypertrophic cardiomyopathy (PMID 23674513,25611685) or Left ventricular noncompaction (PMID 20031619) and is extremely rare in general population databases. Therefore, this c.3776delA (p.Gln1259Argfs*72) variant in the MYBPC3 gene is classified as pathogenic.

Clinical Genetics DNA and cytogenetics Diagnostics Lab, Erasmus MC, Erasmus Medical Center
Classification: Pathogenic for Hypertrophic cardiomyopathy 4. Last evaluated: 2015-09-21. Review status: criteria provided, single submitter. Criteria: ACGS Guidelines, 2013. Collection method: clinical testing. Allele origin: germline. Affected: yes. Study: VKGL Data-share Consensus.

Laboratory for Molecular Medicine, Mass General Brigham Personalized Medicine
Classification: Pathogenic for Hypertrophic cardiomyopathy; Left ventricular noncompaction. Last evaluated: 2012-09-24. Review status: criteria provided, single submitter. Criteria: LMM Criteria. Collection method: clinical testing. Allele origin: germline. Inheritance: Autosomal dominant inheritance. Observed: 9 variant alleles.
Comment: The Gln1259fs variant in MYBPC3 has not been reported in the literature, but has been identified in 3 families with cardiomyopathy tested by our laboratory (Del lefave 2009, LMM unpublished data). In a second family, this frameshift variant was observed in isolation in ind ividuals with HCM, though some individuals carried a second likely disease-causi ng variant in MYH7 causing a spectrum of cardiomyopathies to be observed in the family (including HCM, DCM, LVNC, and ARVC; LMM unpublished data). This frameshi ft variant is predicted to alter the protein?s amino acid sequence beginning at position 1259 and lead to a premature termination codon 72 amino acids downstrea m. This alteration is then predicted to lead to a truncated or absent protein. H eterozygous loss of function of the MYBPC3 gene is an established disease mechan ism in HCM patients. In summary, this variant meets our criteria to be classifie d as pathogenic

Clinical Genetics, Academic Medical Center
Classification: Pathogenic. Review status: no assertion criteria provided. Collection method: clinical testing. Allele origin: germline. Affected: yes. Study: VKGL Data-share Consensus. Not counted in ClinVar's aggregate classification.

Diagnostic Laboratory, Department of Genetics, University Medical Center Groningen
Classification: Pathogenic for Hypertrophic cardiomyopathy 4. Review status: no assertion criteria provided. Collection method: clinical testing. Allele origin: germline. Affected: yes. Study: VKGL Data-share Consensus. Not counted in ClinVar's aggregate classification.

Genome Diagnostics Laboratory, University Medical Center Utrecht
Classification: Pathogenic. Review status: no assertion criteria provided. Collection method: clinical testing. Allele origin: germline. Affected: yes. Study: VKGL Data-share Consensus. Not counted in ClinVar's aggregate classification.

Joint Genome Diagnostic Labs from Nijmegen and Maastricht, Radboudumc and MUMC+
Classification: Pathogenic. Review status: no assertion criteria provided. Collection method: clinical testing. Allele origin: germline. Affected: yes. Study: VKGL Data-share Consensus. Not counted in ClinVar's aggregate classification.

Literature cited by the submitters: PubMed 19808356 (cited by Labcorp Genetics (formerly Invitae), Labcorp); PubMed 20019025 (cited by Labcorp Genetics (formerly Invitae), Labcorp and Color Diagnostics, LLC DBA Color Health); PubMed 20031619 (cited by 4 submitters); PubMed 22115648 (cited by Labcorp Genetics (formerly Invitae), Labcorp and Color Diagnostics, LLC DBA Color Health); PubMed 25611685 (cited by Labcorp Genetics (formerly Invitae), Labcorp and Color Diagnostics, LLC DBA Color Health); PubMed 27532257 (cited by 3 submitters); PubMed 29121657 (cited by Labcorp Genetics (formerly Invitae), Labcorp and Color Diagnostics, LLC DBA Color Health); PubMed 18533079 (cited by Labcorp Genetics (formerly Invitae), Labcorp); PubMed 23396983 (cited by Labcorp Genetics (formerly Invitae), Labcorp); PubMed 23674513 (cited by Color Diagnostics, LLC DBA Color Health and Ambry Genetics); PubMed 24793961 (cited by Color Diagnostics, LLC DBA Color Health); PubMed 29021349 (cited by Color Diagnostics, LLC DBA Color Health); PubMed 29853478 (cited by Color Diagnostics, LLC DBA Color Health); PubMed 30297972 (cited by Color Diagnostics, LLC DBA Color Health and Ambry Genetics); PubMed 30847666 (cited by Color Diagnostics, LLC DBA Color Health); PubMed 33495596 (cited by Color Diagnostics, LLC DBA Color Health); PubMed 33495597 (cited by Color Diagnostics, LLC DBA Color Health); PubMed 39740200 (cited by Color Diagnostics, LLC DBA Color Health); PubMed 19666645 (cited by Ambry Genetics).